The following is an entry in ClinVar:

NM_198129.4(LAMA3):c.8755A>T (p.Lys2919Ter)

Gene: LAMA3 (laminin subunit alpha 3; plus strand). Cytogenetic location: 18q11.2.
Variant type: single nucleotide variant.
Coding change: c.8755A>T on transcript NM_198129.4 (MANE Select); coding-DNA position 8755, A replaced by T.
Protein change: p.Lys2919Ter; replaces lysine 2919 with a stop codon.
Molecular consequence: nonsense.
Genome position (GRCh38, 1-based): chr18:23,933,828, A>T. VCF-style: chr18-23933828-A-T. GRCh37 (hg19) VCF-style: chr18-21513792-A-T.
Other names: p.Lys2919*; c.3928A>T, p.Lys1310Ter (NM_000227.6); c.8587A>T, p.Lys2863Ter (NM_001127717.4); c.3760A>T, p.Lys1254Ter (NM_001127718.4); c.8755A>T (NM_198129.1); short protein forms K1254*, K2863*, K2919*, K1310*.
Identifiers: ClinVar variation 1369957 (VCV001369957.7), dbSNP rs2145417826, ClinGen allele CA402067049.

ClinVar aggregate classification (germline): Pathogenic. Review status: criteria provided, multiple submitters, no conflicts (2 of 4 stars). 3 submissions from 3 submitters: Pathogenic (3). Last evaluated 2026-01-27.

Conditions:
Junctional epidermolysis bullosa. Identifiers: Orphanet 305, MedGen C0079301, MONDO:0017612.

Submissions (3):

Myriad Genetics, Inc.
Classification: Pathogenic for Junctional epidermolysis bullosa. Last evaluated: 2026-01-27. Review status: criteria provided, single submitter. Criteria: Myriad Autosomal Dominant, Autosomal Recessive and X-Linked Classification Criteria (2023). Collection method: clinical testing. Allele origin: unknown.
Comment: NM_000227.3(LAMA3):c.3928A>T(K1310*) is a nonsense variant classified as pathogenic in the context of junctional epidermolysis bullosa, LAMA3-related. K1310* has been observed in a case with relevant disease (PMID: 15538630). Relevant functional assessments of this variant are not available in the literature. K1310* has not been observed in referenced population frequency databases. In summary, NM_000227.3(LAMA3):c.3928A>T(K1310*) is a nonsense variant in a gene where loss of function is a known mechanism of disease, is predicted to disrupt protein function, and has been observed more frequently in cases with the relevant disease than in healthy populations. Please note: this variant was assessed in the context of healthy population screening.

Molecular Diagnostics Laboratory, M Health Fairview: University of Minnesota
Classification: Pathogenic for Junctional epidermolysis bullosa. Last evaluated: 2023-06-20. Review status: criteria provided, single submitter. Criteria: ACMG Guidelines, 2015. Collection method: clinical testing. Allele origin: germline. Affected: yes.

Labcorp Genetics (formerly Invitae), Labcorp
Classification: Pathogenic. Last evaluated: 2021-07-21. Review status: criteria provided, single submitter. Criteria: Invitae Variant Classification Sherloc (09022015). Collection method: clinical testing. Allele origin: germline.
Comment: This sequence change creates a premature translational stop signal (p.Lys1310*) in the LAMA3 gene. It is expected to result in an absent or disrupted protein product. Loss-of-function variants in LAMA3 are known to be pathogenic (PMID: 10366601, 11810295, 12915477, 16473856, 17362460, 22434185, 23869449, 27827380, 28087116). This variant is not present in population databases (ExAC no frequency). This premature translational stop signal has been observed in individual(s) with junctional epidermolysis bullosa (PMID: 15538630). This variant is also known as K1299X. For these reasons, this variant has been classified as Pathogenic.

Literature cited by the submitters: PubMed 15538630 (cited by Myriad Genetics, Inc. and Labcorp Genetics (formerly Invitae), Labcorp); PubMed 10366601 (cited by Labcorp Genetics (formerly Invitae), Labcorp); PubMed 11810295 (cited by Labcorp Genetics (formerly Invitae), Labcorp); PubMed 12915477 (cited by Labcorp Genetics (formerly Invitae), Labcorp); PubMed 16473856 (cited by Labcorp Genetics (formerly Invitae), Labcorp); PubMed 17362460 (cited by Labcorp Genetics (formerly Invitae), Labcorp); PubMed 22434185 (cited by Labcorp Genetics (formerly Invitae), Labcorp); PubMed 23869449 (cited by Labcorp Genetics (formerly Invitae), Labcorp); PubMed 27827380 (cited by Labcorp Genetics (formerly Invitae), Labcorp); PubMed 28087116 (cited by Labcorp Genetics (formerly Invitae), Labcorp).